The following is an entry in ClinVar:

NM_001267550.2(TTN):c.12602C>T (p.Pro4201Leu)

Gene: TTN (titin; minus strand). Cytogenetic location: 2q31.2.
Variant type: single nucleotide variant.
Coding change: c.12602C>T on transcript NM_001267550.2 (MANE Select); coding-DNA position 12602, C replaced by T.
Protein change: p.Pro4201Leu; replaces proline 4201 with leucine.
Molecular consequence: missense variant. On other transcripts: intron variant (1).
Genome position (GRCh38, 1-based): chr2:178,740,631, G>A on the plus strand (C>T on the coding strand, the complement: TTN is on the minus strand). VCF-style: chr2-178740631-G-A. GRCh37 (hg19) VCF-style: chr2-179605358-G-A.
Other names: c.11651C>T, p.Pro3884Leu (NM_001256850.1); c.11513C>T, p.Pro3838Leu (NM_003319.4); c.11888C>T, p.Pro3963Leu (NM_133432.3); c.12089C>T, p.Pro4030Leu (NM_133437.4); c.10361-2271C>T (NM_133378.4); short protein forms P3838L, P3884L, P3963L, P4030L, P4201L.
Identifiers: ClinVar variation 2651696 (VCV002651696.24), dbSNP rs2082325698, ClinGen allele CA349614118.

ClinVar aggregate classification (germline): Uncertain significance (1 of 4 stars; one submission).

Submission:

CeGaT Center for Human Genetics Tuebingen
Classification: Uncertain significance. Last evaluated: 2023-05-01. Review status: criteria provided, single submitter. Criteria: CeGaT Center For Human Genetics Tuebingen Variant Classification Criteria Version 2. Collection method: clinical testing. Allele origin: germline. Affected: yes. Observed: 1 variant allele.
Comment: TTN: PM2, BP4